The following is an entry in ClinVar:

NM_000059.4(BRCA2):c.4295G>T (p.Ser1432Ile)

Gene: BRCA2 (BRCA2 DNA repair associated; plus strand). Cytogenetic location: 13q13.1.
Variant type: single nucleotide variant.
Coding change: c.4295G>T on transcript NM_000059.4 (MANE Select); coding-DNA position 4295, G replaced by T.
Protein change: p.Ser1432Ile; replaces serine 1432 with isoleucine.
Molecular consequence: missense variant. On other transcripts: non-coding transcript variant (1), intron variant (2).
Genome position (GRCh38, 1-based): chr13:32,338,650, G>T. VCF-style: chr13-32338650-G-T. GRCh37 (hg19) VCF-style: chr13-32912787-G-T.
Other names: c.4295G>T, p.Ser1432Ile (NM_001406719.1, NM_001406720.1, NM_001432077.1); c.1909+5263G>T (NM_001406721.1); c.425-5908G>T (NM_001406722.1); short protein forms S1432I.
Identifiers: ClinVar variation 5033326 (VCV005033326.1).

ClinVar aggregate classification (germline): Uncertain significance (1 of 4 stars; one submission).

Conditions:
Hereditary cancer-predisposing syndrome. Also called: Neoplastic Syndromes, Hereditary; Tumor predisposition; Hereditary neoplastic syndrome; Hereditary Cancer Syndrome. Identifiers: Orphanet 140162, MedGen C0027672, MeSH D009386, MONDO:0015356.

Submission:

Ambry Genetics
Classification: Uncertain significance for Hereditary cancer-predisposing syndrome. Last evaluated: 2026-07-29. Review status: criteria provided, single submitter. Criteria: Ambry Variant Classification Scheme 2023. Collection method: clinical testing. Allele origin: germline.
Comment: The p.S1432I variant (also known as c.4295G>T), located in coding exon 10 of the BRCA2 gene, results from a G to T substitution at nucleotide position 4295. The serine at codon 1432 is replaced by isoleucine, an amino acid with dissimilar properties. This amino acid position is not well conserved in available vertebrate species. In addition, the in silico prediction for this alteration is inconclusive. Based on the available evidence, the clinical significance of this variant remains unclear.